The following is an entry in ClinVar:

ClinVar aggregate classification (germline): Pathogenic. Review status: criteria provided, multiple submitters, no conflicts (2 of 4 stars). 9 submissions from 9 submitters: Pathogenic (6). 3 of the submissions do not count toward it. Last evaluated 2026-07-16.

Conditions:
KRT14-related disorder. Also called: KRT14-related condition.
Dermatopathia pigmentosa reticularis (DPR). Identifiers: Orphanet 86920, MedGen C0406778, MONDO:0007445, OMIM 125595.
Epidermolysis bullosa simplex, Koebner type. Identifiers: Orphanet 79399, MedGen C5561924, MONDO:0007554, OMIM 131900.
Epidermolysis bullosa simplex 1A, generalized severe (EBS1A). Also called: Epidermolysis bullosa simplex Dowling-Meara type. Identifiers: Orphanet 79396, MedGen C0079295, MONDO:0007550, OMIM 131760.

Allele frequency attached by ClinVar (database versions not stated): gnomAD exomes below 0.00001.
gnomAD v4.1: 1 of 1,614,126 alleles (0.000062%); highest among the groups gnomAD compares: South Asian, 0.0011%; no homozygotes.

Submissions (9):

PreventionGenetics, part of Exact Sciences
Classification: Pathogenic for KRT14-related condition. Last evaluated: 2026-07-16. Review status: criteria provided, single submitter. Criteria: ACMG Guidelines, 2015. Collection method: clinical testing. Allele origin: germline.
Comment: The KRT14 c.374G>A variant is predicted to result in the amino acid substitution p.Arg125His. This variant has been previously reported in the heterozygous state in many individuals with epidermolysis bullosa (see for example Coulombe et al. 1991. PubMed ID: 1717157; Pfendner et al. 2005. PubMed ID: 16098032; Table S1, Vahidnezhad et al. 2017; Mariath et al. 2019. PubMed ID: 31001817; Chen et al. 2020. PubMed ID: 32484238). Amino acid 125 represents a pathogenic hotspot with alternate amino acids changes (p.Arg125Ser, p.Arg125Gly, p.Arg125Cys, p.Arg125Pro, and p.Arg125Leu) frequently found in individuals with epidermolysis bullosa. The p.Arg125His variant has not been reported in a large population database (gnomAD), indicating this variant is rare. This variant is interpreted as pathogenic.

Medical and Scientific Branch, Hong Kong Genome Institute
Classification: Pathogenic for Epidermolysis bullosa simplex, Koebner type. Last evaluated: 2026-01-26. Review status: criteria provided, single submitter. Criteria: ACMG Guidelines, 2015. Collection method: clinical testing. Allele origin: paternal. Affected: yes.

Labcorp Genetics (formerly Invitae), Labcorp
Classification: Pathogenic. Last evaluated: 2025-10-28. Review status: criteria provided, single submitter. Criteria: Invitae Variant Classification Sherloc (09022015). Collection method: clinical testing. Allele origin: germline.
Comment: This sequence change replaces arginine, which is basic and polar, with histidine, which is basic and polar, at codon 125 of the KRT14 protein (p.Arg125His). This variant is not present in population databases (gnomAD no frequency). This missense change has been observed in individuals with autosomal dominant epidermolysis bullosa simplex (PMID: 1717157, 16098032). ClinVar contains an entry for this variant (Variation ID: 14613). Invitae Evidence Modeling of protein sequence and biophysical properties (such as structural, functional, and spatial information, amino acid conservation, physicochemical variation, residue mobility, and thermodynamic stability) has been performed for this missense variant. However, the output from this modeling did not meet the statistical confidence thresholds required to predict the impact of this variant on KRT14 protein function. Experimental studies have shown that this missense change affects KRT14 function (PMID: 1717157). This variant disrupts the p.Arg125 amino acid residue in KRT14. Other variant(s) that disrupt this residue have been determined to be pathogenic (PMID: 1717157, 16098032). This suggests that this residue is clinically significant, and that variants that disrupt this residue are likely to be disease-causing. For these reasons, this variant has been classified as Pathogenic.

Blueprint Genetics
Classification: Pathogenic for KRT14-related disorders. Last evaluated: 2024-09-30. Review status: criteria provided, single submitter. Criteria: ACMG Guidelines, 2015. Collection method: clinical testing. Allele origin: germline. Affected: yes. Observed: 4 variant alleles.

GeneDx
Classification: Pathogenic. Last evaluated: 2022-12-09. Review status: criteria provided, single submitter. Criteria: GeneDx Variant Classification Process June 2021. Collection method: clinical testing. Allele origin: germline. Affected: yes.
Comment: Located in the highly conserved helix initiation motif of the alpha-helical rod domain, which is intolerant to change; variants in this motif interfere with proper keratin intermediate filament assembly and function, resulting in skin fragility and/or hyperkeratosis (Chamcheu et al., 2011); Not observed at significant frequency in large population cohorts (gnomAD); In silico analysis supports that this missense variant has a deleterious effect on protein structure/function; This variant is associated with the following publications: (PMID: 27882080, 29242947, 29410318, 29784039, 29687370, 1717157, 26432462, 28561874, 28830826, 26707537, 32484238, 33274474, 21176769, 31001817, 16098032, 19854623, 7561171)

Laboratorio de Genetica e Diagnostico Molecular, Hospital Israelita Albert Einstein
Classification: Pathogenic for Dermatopathia pigmentosa reticularis. Last evaluated: 2022-03-07. Review status: criteria provided, single submitter. Criteria: ACMG Guidelines, 2015. Collection method: clinical testing. Allele origin: germline. Affected: yes. Observed: 1 variant allele.
Comment: ACMG classification criteria: PS4 strong, PM1, PM2 moderated, PM6 moderated, PP3 supporting

OMIM
Classification: Pathogenic for EPIDERMOLYSIS BULLOSA SIMPLEX 1A, GENERALIZED SEVERE. Last evaluated: 2000-04-01. Review status: no assertion criteria provided. Collection method: literature only. Allele origin: germline. Not counted in ClinVar's aggregate classification.

Epithelial Biology;  Institute of Medical Biology, Singapore
No classification provided. Review status: no classification provided. Collection method: not provided. Allele origin: not provided. Not counted in ClinVar's aggregate classification.

GeneReviews
No classification provided. Condition: Epidermolysis bullosa simplex 1A, generalized severe. Review status: no classification provided. Collection method: literature only. Allele origin: unknown. Not counted in ClinVar's aggregate classification.

Literature cited by the submitters: PubMed 1717157 (cited by Labcorp Genetics (formerly Invitae), Labcorp and OMIM); PubMed 16098032 (cited by Labcorp Genetics (formerly Invitae), Labcorp); PubMed 10730767 (cited by OMIM); PubMed 10733662 (cited by OMIM); PubMed 26743602 (cited by OMIM); PubMed 20301543 (cited by GeneReviews); NCBI Bookshelf NBK1369 (cited by GeneReviews).

NM_000526.5(KRT14):c.374G>A (p.Arg125His)

Gene: KRT14 (keratin 14; minus strand). Cytogenetic location: 17q21.2.
Variant type: single nucleotide variant.
Coding change: c.374G>A on transcript NM_000526.5 (MANE Select); coding-DNA position 374, G replaced by A.
Protein change: p.Arg125His; replaces arginine 125 with histidine.
Molecular consequence: missense variant.
Genome position (GRCh38, 1-based): chr17:41,586,461, C>T on the plus strand (G>A on the coding strand, the complement: KRT14 is on the minus strand). VCF-style: chr17-41586461-C-T. GRCh37 (hg19) VCF-style: chr17-39742713-C-T.
Other names: short protein forms R125H.
Identifiers: ClinVar variation 14613 (VCV000014613.20), dbSNP rs58330629, ClinGen allele CA216921.